The following is an entry in ClinVar:

NM_152419.3(HGSNAT):c.1271G>T (p.Gly424Val)

Gene: HGSNAT (heparan-alpha-glucosaminide N-acetyltransferase; plus strand). Cytogenetic location: 8p11.21.
Variant type: single nucleotide variant.
Coding change: c.1271G>T on transcript NM_152419.3 (MANE Select); coding-DNA position 1271, G replaced by T.
Protein change: p.Gly424Val; replaces glycine 424 with valine.
Molecular consequence: missense variant.
Genome position (GRCh38, 1-based): chr8:43,192,324, G>T. VCF-style: chr8-43192324-G-T. GRCh37 (hg19) VCF-style: chr8-43047467-G-T.
Other names: c.1271G>T, p.Gly424Val (NM_001363227.2); c.1079G>T, p.Gly360Val (NM_001363228.2); c.407G>T, p.Gly136Val (NM_001363229.2); short protein forms G136V, G360V, G424V.
Identifiers: ClinVar variation 3905631 (VCV003905631.11).

ClinVar aggregate classification (germline): Pathogenic/Likely pathogenic. Review status: criteria provided, multiple submitters, no conflicts (2 of 4 stars). 2 submissions from 2 submitters: Pathogenic (1); Likely pathogenic (1). Last evaluated 2025-07-28.

Conditions:
Retinitis pigmentosa 73 (RP73). Identifiers: Orphanet 791, MedGen C4225287, MONDO:0014687, OMIM 616544.
Mucopolysaccharidosis, MPS-III-C (MPS3C). Also called: SANFILIPPO SYNDROME C; MPS III C; Mucopolysaccharidosis type IIIC (Sanfilippo C); MUCOPOLYSACCHARIDOSIS, TYPE IIIC; mucopolysaccharidosis type 3C; MPS IIIC (Sanfilippo Syndrome Type C). Identifiers: Orphanet 581, Orphanet 79271, MedGen C0086649, MONDO:0009657, OMIM 252930.

Submissions (2):

Labcorp Genetics (formerly Invitae), Labcorp
Classification: Pathogenic for Retinitis pigmentosa 73; Mucopolysaccharidosis, MPS-III-C. Last evaluated: 2025-07-28. Review status: criteria provided, single submitter. Criteria: Invitae Variant Classification Sherloc (09022015). Collection method: clinical testing. Allele origin: germline.
Comment: This sequence change replaces glycine, which is neutral and non-polar, with valine, which is neutral and non-polar, at codon 424 of the HGSNAT protein (p.Gly424Val). This variant is not present in population databases (gnomAD no frequency). This missense change has been observed in individual(s) with HGSNAT-related conditions (PMID: 20825431; internal data). In at least one individual the data is consistent with being in trans (on the opposite chromosome) from a pathogenic variant. ClinVar contains an entry for this variant (Variation ID: 3905631). Invitae Evidence Modeling of protein sequence and biophysical properties (such as structural, functional, and spatial information, amino acid conservation, physicochemical variation, residue mobility, and thermodynamic stability) indicates that this missense variant is expected to disrupt HGSNAT protein function with a positive predictive value of 95%. Experimental studies have shown that this missense change affects HGSNAT function (PMID: 20825431). This variant disrupts the p.Gly424 amino acid residue in HGSNAT. Other variant(s) that disrupt this residue have been determined to be pathogenic (PMID: 17033958, 24767253; internal data). This suggests that this residue is clinically significant, and that variants that disrupt this residue are likely to be disease-causing. For these reasons, this variant has been classified as Pathogenic.

CeGaT Center for Human Genetics Tuebingen
Classification: Likely pathogenic. Last evaluated: 2025-05-01. Review status: criteria provided, single submitter. Criteria: CeGaT Center For Human Genetics Tuebingen Variant Classification Criteria Version 2. Collection method: clinical testing. Allele origin: germline. Affected: yes. Observed: 1 variant allele.
Comment: HGSNAT: PM2, PM3, PM5, PS3:Supporting

Literature cited by the submitters: PubMed 20825431 (cited by Labcorp Genetics (formerly Invitae), Labcorp); PubMed 17033958 (cited by Labcorp Genetics (formerly Invitae), Labcorp); PubMed 24767253 (cited by Labcorp Genetics (formerly Invitae), Labcorp).